The following is an entry in ClinVar:

NC_012920.1(MT-TK):m.8313G>A

Gene: MT-TK (mitochondrially encoded tRNA lysine; plus strand).
Variant type: single nucleotide variant.
Genome position: chrM-8313-G-A.
Other names: 8313G-A.
Identifiers: ClinVar variation 9583 (VCV000009583.3), dbSNP rs118192101, ClinGen allele CA254837.

ClinVar aggregate classification (germline): Likely pathogenic. Review status: reviewed by expert panel (3 of 4 stars). 3 submissions from 3 submitters: Likely pathogenic (1). 2 of the submissions do not count toward it. Last evaluated 2023-03-13.

Conditions:
Primary Mitochondrial Disorders. Identifiers: MedGen CN381104.
Mitochondrial disease. Also called: Mitochondrial disorder; Mitochondrial disorders. Identifiers: Orphanet 68380, MedGen C0751651, MeSH D028361, MONDO:0044970.
Mitochondrial DNA depletion syndrome 1. Also called: Mitochondrial DNA depletion syndrome 1 (MNGIE type); Mitochondrial neurogastrointestinal encephalomyopathy syndrome; POLYNEUROPATHY, OPHTHALMOPLEGIA, LEUKOENCEPHALOPATHY, AND INTESTINAL PSEUDOOBSTRUCTION; Mitochondrial DNA Depletion Syndrome, MNGIE Form; MITOCHONDRIAL NEUROGASTROINTESTINAL ENCEPHALOPATHY SYNDROME, TYMP-RELATED; MNGIE, TYMP-RELATED. Identifiers: Orphanet 298, MedGen C4551995, MONDO:0011283, OMIM 603041.

Submissions (3):

ClinGen Mitochondrial Disease Nuclear and Mitochondrial  Variant Curation Expert Panel, ClinGen
Classification: Likely pathogenic for Mitochondrial disease. Last evaluated: 2023-03-13. Review status: reviewed by expert panel. Criteria: McCormick et al. (Hum Mutat. 2020). Collection method: curation. Allele origin: germline. Inheritance: Mitochondrial inheritance.
Comment: The m.8313G>A variant in MT-TK has been reported in two unrelated probands with primary mitochondrial disease (PS4_supporting). In both individuals, the variant was heteroplasmic, ranging from 54% in fibroblasts to 74-82% in muscle. In one of the reported cases, the variant was reported de novo as it was absent in blood from the proband’s mother, maternal aunt, and two brothers (PMID: 9380435), however no additional tissues were tested (including that blood in the proband was not tested) and technology performed at the time of publication would not detect low heteroplasmy levels of the variant. In the other case, multiple tissues from the mother were tested as was muscle from two healthy brothers and the variant was not detectable (PMID: 19618438), confirming de novo occurrence (PM6_supporting). Of note, three additional unrelated probands in a large cohort of individuals with autism spectrum disorder were reported to have this variant (PMID: 35778412), however additional clinical details were not provided and there was no evidence these individuals had other features of primary mitochondrial disease. There is one occurrence of this variant in population databases (MITOMAP GenBank sequences, 1/59,389 or 0.002%; absent in Helix dataset and gnomAD v3.1.2). Although there is one occurrence, the frequency is still low (PM2_supporting). The computational predictor MitoTIP suggests this variant is pathogenic (73.6 percentile) and HmtVAR predicts it to be pathogenic score of 0.85 (PP3). Several functional studies reported show the deleterious effects of this variant (PS3_supporting). A single fiber study (PMID: 19618438) demonstrated higher levels of variant in COX-negative fibers (96.44%; n =10) than in COX-positive fibers (72.11%; n= 10; P<0.001). A cybrid study (PMID: 12737626) showed that cybrids with high levels of the variant had severe respiratory chain defects, diminished O2 consumption, and translational defects. Furthermore, a 7000-fold loss of aminoacylation efficiency was reported (PMIDs: 15477393, 15100439). In summary, this variant meets criteria to be classified as uncertain significance however, after extensive discussion, this Expert Panel elected to modify the classification to likely pathogenic given consistent functional evidence of a severe deleterious effect across multiple assays. This classification was approved by the NICHD/NINDS U24 ClinGen Mitochondrial Disease Variant Curation Expert Panel on March 13, 2023. Mitochondrial DNA-specific ACMG/AMP criteria applied (PMID: 32906214): PS4_supporting, PM2_supporting, PP3, PM6_supporting, PS3_supporting.

Variantyx, Inc.
Classification: Likely pathogenic for Primary mitochondrial disorders. Last evaluated: 2025-12-30. Review status: criteria provided, single submitter. Criteria: Variantyx Assertion Criteria 2022. Collection method: clinical testing. Allele origin: germline. Not counted in ClinVar's aggregate classification.
Comment: The m.8313G>A change is a variant in the MT-TK gene which encodes the mitochondrial transfer RNA for lysine. Pathogenic variants in this gene have been associated with primary mitochondrial disorders. This variant has been reported in at least five unrelated affected individuals from different top-level haplogroups (PMID: 9380435, 19618438, 35778412) (PS4). Functional studies suggest a deleterious effect for this variant (PMID: 15477393, 15100439, 12737626, 19618438) (PS3) and computational algorithms support a deleterious effect on the gene or gene product (Aggregate Predicted Severity Score: 0.83) (PP3). This variant occurs in the anticodon of this tRNA (PM1). It is absent from control populations (PM2). Other reputable laboratories have reported this variant as pathogenic or likely pathogenic, and this classification has been validated by an expert panel in ClinVar (PP5). Based on the current evidence, this variant is classified as likely pathogenic for primary mitochondrial disorders. The low level of heteroplasmy for this variant creates uncertainty as to its clinical significance in this individual. Heteroplasmy of mitochondrial variants identified in blood or saliva may not accurately reflect the heteroplasmy levels in other tissues. In general, heteroplasmy levels of mitochondrial variants associated with disease may be elevated significantly in tissue types such as muscle, fibroblasts, or urine.

OMIM
Classification: Pathogenic for MITOCHONDRIAL NEUROGASTROINTESTINAL ENCEPHALOMYOPATHY SYNDROME. Last evaluated: 1997-10-01. Review status: no assertion criteria provided. Collection method: literature only. Allele origin: germline. Not counted in ClinVar's aggregate classification.

Literature cited by the submitters: PubMed 15477393 (cited by ClinGen Mitochondrial Disease Nuclear and Mitochondrial  Variant Curation Expert Panel, ClinGen); PubMed 12737626 (cited by ClinGen Mitochondrial Disease Nuclear and Mitochondrial  Variant Curation Expert Panel, ClinGen); PubMed 19618438 (cited by ClinGen Mitochondrial Disease Nuclear and Mitochondrial  Variant Curation Expert Panel, ClinGen); PubMed 15100439 (cited by ClinGen Mitochondrial Disease Nuclear and Mitochondrial  Variant Curation Expert Panel, ClinGen); PubMed 9380435 (cited by OMIM).